The following is an entry in ClinVar:

ClinVar aggregate classification (germline): Likely benign. Review status: criteria provided, multiple submitters, no conflicts (2 of 4 stars). 2 submissions from 2 submitters: Likely benign (2). Last evaluated 2025-11-24.

Submissions (2):

Labcorp Genetics (formerly Invitae), Labcorp
Classification: Likely benign. Last evaluated: 2025-11-24. Review status: criteria provided, single submitter. Criteria: Invitae Variant Classification Sherloc (09022015). Collection method: clinical testing. Allele origin: germline.

GeneDx
Classification: Likely benign. Last evaluated: 2018-04-04. Review status: criteria provided, single submitter. Criteria: GeneDx Variant Classification (06012015). Collection method: clinical testing. Allele origin: germline. Affected: yes.
Comment: This variant is considered likely benign or benign based on one or more of the following criteria: it is a conservative change, it occurs at a poorly conserved position in the protein, it is predicted to be benign by multiple in silico algorithms, and/or has population frequency not consistent with disease.

NM_002350.4(LYN):c.179-3del

Gene: LYN (LYN proto-oncogene, Src family tyrosine kinase; plus strand). Cytogenetic location: 8q12.1.
Variant type: Deletion.
Coding change: c.179-3del on transcript NM_002350.4 (MANE Select); 3 bases into the intron before coding-DNA position 179, one base deleted (T; older notation c.179-3delT).
Molecular consequence: intron variant.
Genome position (GRCh38, 1-based): chr8:55,947,615, T deleted; the last of 3 consecutive T bases (chr8:55,947,613-55,947,615); deleting any one gives the same sequence. VCF-style (leftmost placement, unchanged base first): chr8-55947612-CT-C. GRCh37 (hg19) VCF-style: chr8-56860171-CT-C.
Other names: c.116-3del (NM_001111097.3).
Identifiers: ClinVar variation 681455 (VCV000681455.2), dbSNP rs766357723, ClinGen allele CA4753946.